The following is an entry in ClinVar:

ClinVar aggregate classification (germline): Uncertain significance (1 of 4 stars; one submission).

Conditions:
Short stature, facial dysmorphism, and skeletal anomalies with or without cardiac anomalies 1. Identifiers: MedGen C5542952, MONDO:0100297, OMIM 617877.

Submission:

3billion
Classification: Uncertain significance for Short stature, facial dysmorphism, and skeletal anomalies with or without cardiac anomalies 1. Last evaluated: 2024-09-10. Review status: criteria provided, single submitter. Criteria: ACMG Guidelines, 2015. Collection method: clinical testing. Allele origin: germline. Affected: yes.
Comment: The variant is not observed in the gnomAD v4.0.0 dataset. Predicted Consequence/Location: The majority of the known disease-causing variants of this gene are variants expected to result in premature termination of the protein. In silico tool predictions suggest damaging effect of the variant on gene or gene product [REVEL: 0.95 (>=0.6, sensitivity 0.68 and specificity 0.92); 3Cnet: 0.37 (>=0.6, sensitivity 0.72 and precision 0.9)]. A different missense change at the same codon (p.Pro363Leu) has been reported to be associated with BMP2-related disorder (PMID: 37125634). However the evidence of pathogenicity is insufficient at this time. Therefore, this variant is classified as VUS according to the recommendation of ACMG/AMP guideline.

Literature cited by the submitters: PubMed 37125634.

NM_001200.4(BMP2):c.1088C>G (p.Pro363Arg)

Gene: BMP2 (bone morphogenetic protein 2; plus strand). Cytogenetic location: 20p12.3.
Variant type: single nucleotide variant.
Coding change: c.1088C>G on transcript NM_001200.4 (MANE Select); coding-DNA position 1088, C replaced by G.
Protein change: p.Pro363Arg; replaces proline 363 with arginine.
Molecular consequence: missense variant.
Genome position (GRCh38, 1-based): chr20:6,778,986, C>G. VCF-style: chr20-6778986-C-G. GRCh37 (hg19) VCF-style: chr20-6759633-C-G.
Other names: short protein forms P363R.
Identifiers: ClinVar variation 4293771 (VCV004293771.1).